The following is an entry in ClinVar:

NM_005618.4(DLL1):c.1249+1del

Gene: DLL1 (delta like canonical Notch ligand 1; minus strand). Cytogenetic location: 6q27.
Variant type: Deletion.
Coding change: c.1249+1del on transcript NM_005618.4 (MANE Select); the canonical splice donor site of the intron after coding-DNA position 1249, one base deleted (G; older notation c.1249+1delG).
Molecular consequence: splice donor variant.
Genome position (GRCh38, 1-based): chr6:170,284,918, C deleted on the plus strand (G on the coding strand, the reverse complement: DLL1 is on the minus strand); the first of 2 consecutive C bases (chr6:170,284,918-170,284,919); deleting either gives the same sequence. VCF-style (leftmost placement, unchanged base first): chr6-170284917-AC-A. GRCh37 (hg19) VCF-style: chr6-170594005-AC-A.
Identifiers: ClinVar variation 2720636 (VCV002720636.3), dbSNP rs2483350170, ClinGen allele CA2697553802.
Genomic context (GRCh38, chr6:170,284,917, plus strand): 5'-AATGCCACCTCAGTATTGACCGCTCGCCCGAGTCTCTGAGCAATCACCAGCTGCCCCCTT[AC>A]CATTAGAACAGGGTGAAGAGCTGCAGTAGTCAATTTTCTTCTCACAGTTGAAGCCGGAGT-3'

ClinVar aggregate classification (germline): Pathogenic (1 of 4 stars; one submission).

Submission:

Labcorp Genetics (formerly Invitae), Labcorp
Classification: Pathogenic. Last evaluated: 2023-11-07. Review status: criteria provided, single submitter. Criteria: Invitae Variant Classification Sherloc (09022015). Collection method: clinical testing. Allele origin: germline.
Comment: This sequence change creates a premature translational stop signal (Splice site) in the DLL1 gene. It is expected to result in an absent or disrupted protein product. Loss-of-function variants in DLL1 are known to be pathogenic (PMID: 31353024). This variant is not present in population databases (gnomAD no frequency). This variant has not been reported in the literature in individuals affected with DLL1-related conditions. This variant is also known as c.1249+1del. Algorithms developed to predict the effect of sequence changes on RNA splicing suggest that this variant may disrupt the consensus splice site. For these reasons, this variant has been classified as Pathogenic.

Literature cited by the submitters: PubMed 31353024.